The following is an entry in ClinVar:

ClinVar aggregate classification (germline): Uncertain significance (1 of 4 stars; one submission).

Conditions:
Perlman syndrome (PRLMNS). Identifiers: Orphanet 2849, MedGen C0796113, MONDO:0009965, OMIM 267000.

gnomAD v4.1: 1 of 1,550,856 alleles (0.000064%); highest among the groups gnomAD compares: South Asian, 0.0012%; no homozygotes.

Submission:

Labcorp Genetics (formerly Invitae), Labcorp
Classification: Uncertain significance for Perlman syndrome. Last evaluated: 2023-11-04. Review status: criteria provided, single submitter. Criteria: Invitae Variant Classification Sherloc (09022015). Collection method: clinical testing. Allele origin: germline.
Comment: This sequence change replaces lysine, which is basic and polar, with glutamic acid, which is acidic and polar, at codon 813 of the DIS3L2 protein (p.Lys813Glu). This variant is not present in population databases (gnomAD no frequency). This variant has not been reported in the literature in individuals affected with DIS3L2-related conditions. ClinVar contains an entry for this variant (Variation ID: 1023452). An algorithm developed to predict the effect of missense changes on protein structure and function (PolyPhen-2) suggests that this variant is likely to be tolerated. In summary, the available evidence is currently insufficient to determine the role of this variant in disease. Therefore, it has been classified as a Variant of Uncertain Significance.

NM_152383.5(DIS3L2):c.2437A>G (p.Lys813Glu)

Gene: DIS3L2 (DIS3 like 3'-5' exoribonuclease 2; plus strand). Cytogenetic location: 2q37.1.
Variant type: single nucleotide variant.
Coding change: c.2437A>G on transcript NM_152383.5 (MANE Select); coding-DNA position 2437, A replaced by G.
Protein change: p.Lys813Glu; replaces lysine 813 with glutamic acid.
Molecular consequence: missense variant. On other transcripts: non-coding transcript variant (2), intron variant (1).
Genome position (GRCh38, 1-based): chr2:232,335,815, A>G. VCF-style: chr2-232335815-A-G. GRCh37 (hg19) VCF-style: chr2-233200525-A-G.
Other names: c.1582-7530A>G (NM_001257281.2); short protein forms K813E.
Identifiers: ClinVar variation 1023452 (VCV001023452.9), dbSNP rs1695925235, ClinGen allele CA350978226.